The following is an entry in ClinVar:

ClinVar aggregate classification (germline): Uncertain significance (1 of 4 stars; one submission).

Conditions:
Hereditary nonpolyposis colorectal neoplasms. Identifiers: MedGen C0009405, MeSH D003123.

Submission:

Labcorp Genetics (formerly Invitae), Labcorp
Classification: Uncertain significance for Hereditary nonpolyposis colorectal neoplasms. Last evaluated: 2019-11-11. Review status: criteria provided, single submitter. Criteria: Invitae Variant Classification Sherloc (09022015). Collection method: clinical testing. Allele origin: germline.
Comment: Algorithms developed to predict the effect of missense changes on protein structure and function (SIFT, PolyPhen-2, Align-GVGD) all suggest that this variant is likely to be disruptive, but these predictions have not been confirmed by published functional studies and their clinical significance is uncertain. In summary, the available evidence is currently insufficient to determine the role of this variant in disease. Therefore, it has been classified as a Variant of Uncertain Significance. This variant has not been reported in the literature in individuals with MSH6-related conditions. This sequence change replaces aspartic acid with tyrosine at codon 576 of the MSH6 protein (p.Asp576Tyr). The aspartic acid residue is highly conserved and there is a large physicochemical difference between aspartic acid and tyrosine. This variant is not present in population databases (ExAC no frequency).

NM_000179.3(MSH6):c.1726G>T (p.Asp576Tyr)

Gene: MSH6 (mutS homolog 6; plus strand). Cytogenetic location: 2p16.3.
Variant type: single nucleotide variant.
Coding change: c.1726G>T on transcript NM_000179.3 (MANE Select); coding-DNA position 1726, G replaced by T.
Protein change: p.Asp576Tyr; replaces aspartic acid 576 with tyrosine.
Molecular consequence: missense variant.
Genome position (GRCh38, 1-based): chr2:47,799,709, G>T. VCF-style: chr2-47799709-G-T. GRCh37 (hg19) VCF-style: chr2-48026848-G-T.
Other names: c.1336G>T, p.Asp446Tyr (NM_001281492.2); c.820G>T, p.Asp274Tyr (NM_001281493.2, NM_001281494.2); short protein forms D576Y, D274Y, D446Y.
Identifiers: ClinVar variation 966707 (VCV000966707.10), dbSNP rs1669366443, ClinGen allele CA346748731.
Genomic context (GRCh38, chr2:47,799,709, plus strand): 5'-TATGGTGTGTGCTTTGTTGATACTTCACTGGGAAAGTTTTTCATAGGTCAGTTTTCAGAT[G>T]ATCGCCATTGTTCGAGATTTAGGACTCTAGTGGCACACTATCCCCCAGTACAAGTTTTAT-3'
Protein context (NP_000170.1, residues 566-586): GKFFIGQFSD[Asp576Tyr]RHCSRFRTLV